The following is an entry in ClinVar:

NM_000384.3(APOB):c.2245-9A>G

Gene: APOB (apolipoprotein B; minus strand). Cytogenetic location: 2p24.1.
Variant type: single nucleotide variant.
Coding change: c.2245-9A>G on transcript NM_000384.3 (MANE Select); 9 bases into the intron before coding-DNA position 2245, A replaced by G.
Molecular consequence: intron variant.
Genome position (GRCh38, 1-based): chr2:21,025,133, T>C on the plus strand (A>G on the coding strand, the complement: APOB is on the minus strand). VCF-style: chr2-21025133-T-C. GRCh37 (hg19) VCF-style: chr2-21248005-T-C.
Identifiers: ClinVar variation 3236359 (VCV003236359.1), dbSNP rs2465413516, ClinGen allele CA2825001044.

ClinVar aggregate classification (germline): Uncertain significance (1 of 4 stars; one submission).

Conditions:
Familial hypobetalipoproteinemia 1. Also called: APOB-Related Familial Hypobetalipoproteinemia; Hypobetalipoproteinemia, normotriglyceridemic; Acanthocytosis with hypobetalipoproteinemia. Identifiers: MedGen C4551990, MONDO:0014252, OMIM 615558.

Submission:

MVZ Medizinische Genetik Mainz
Classification: Uncertain significance for Familial hypobetalipoproteinemia 1. Last evaluated: 2024-02-21. Review status: criteria provided, single submitter. Criteria: UK Practice Guidelines For Variant Classification V4 01 2020. Collection method: clinical testing. Allele origin: germline. Inheritance: Autosomal recessive inheritance. Affected: yes. Observed: 1 variant allele.
Comment: ACMG Criteria: PM2_SUP,PP3